The following is an entry in ClinVar:

ClinVar aggregate classification (germline): Uncertain significance (1 of 4 stars; one submission).

Allele frequency attached by ClinVar (database versions not stated): gnomAD exomes below 0.00001; TOPMed below 0.00001.
gnomAD v4.1: 1 of 1,614,170 alleles (0.000062%); highest among the groups gnomAD compares: Admixed American, 0.0017%; no homozygotes.

Submission:

Labcorp Genetics (formerly Invitae), Labcorp
Classification: Uncertain significance. Last evaluated: 2022-06-20. Review status: criteria provided, single submitter. Criteria: Invitae Variant Classification Sherloc (09022015). Collection method: clinical testing. Allele origin: germline.
Comment: In summary, the available evidence is currently insufficient to determine the role of this variant in disease. Therefore, it has been classified as a Variant of Uncertain Significance. Algorithms developed to predict the effect of missense changes on protein structure and function are either unavailable or do not agree on the potential impact of this missense change (SIFT: "Tolerated"; PolyPhen-2: "Possibly Damaging"; Align-GVGD: "Class C0"). ClinVar contains an entry for this variant (Variation ID: 957632). This variant has not been reported in the literature in individuals affected with ARSG-related conditions. This variant is present in population databases (no rsID available, gnomAD 0.003%). This sequence change replaces glutamine, which is neutral and polar, with histidine, which is basic and polar, at codon 229 of the ARSG protein (p.Gln229His).

NM_001267727.2(ARSG):c.687G>C (p.Gln229His)

Genes: ARSG (arylsulfatase G; plus strand), LOC130061524 (ATAC-STARR-seq lymphoblastoid active region 12647; plus strand). Cytogenetic location: 17q24.2.
Variant type: single nucleotide variant.
Coding change: c.687G>C on transcript NM_001267727.2 (MANE Select); coding-DNA position 687, G replaced by C.
Protein change: p.Gln229His; replaces glutamine 229 with histidine.
Molecular consequence: missense variant.
Genome position (GRCh38, 1-based): chr17:68,356,787, G>C. VCF-style: chr17-68356787-G-C. GRCh37 (hg19) VCF-style: chr17-66352928-G-C.
Other names: c.687G>C, p.Gln229His (NM_001352899.2, NM_001352900.2, NM_001352901.2 and 8 more transcripts); c.639G>C, p.Gln213His (NM_001352909.2); short protein forms Q213H, Q229H.
Identifiers: ClinVar variation 957632 (VCV000957632.7), dbSNP rs1187519759, ClinGen allele CA400743329.